The following is an entry in ClinVar:

ClinVar aggregate classification (germline): Pathogenic (1 of 4 stars; one submission).

Conditions:
Telangiectasia, hereditary hemorrhagic, type 2 (HHT2). Also called: ACVRL1-Related Hereditary Hemorrhagic Telangiectasia; Telangiectasia, hereditary hemorrhagic, type II. Identifiers: Orphanet 774, MedGen C1838163, MONDO:0010880, OMIM 600376. Disease mechanism: loss of function.

Submission:

Labcorp Genetics (formerly Invitae), Labcorp
Classification: Pathogenic for Telangiectasia, hereditary hemorrhagic, type 2. Last evaluated: 2023-06-16. Review status: criteria provided, single submitter. Criteria: Invitae Variant Classification Sherloc (09022015). Collection method: clinical testing. Allele origin: germline.
Comment: This variant is not present in population databases (gnomAD no frequency). This sequence change affects a donor splice site in intron 4 of the ACVRL1 gene. It is expected to disrupt RNA splicing. Variants that disrupt the donor or acceptor splice site typically lead to a loss of protein function (PMID: 16199547), and loss-of-function variants in ACVRL1 are known to be pathogenic (PMID: 15879500). Disruption of this splice site has been observed in individual(s) with hereditary hemorrhagic telangiectasia (PMID: 34872578). Algorithms developed to predict the effect of sequence changes on RNA splicing suggest that this variant may disrupt the consensus splice site. For these reasons, this variant has been classified as Pathogenic.

Literature cited by the submitters: PubMed 16199547; PubMed 15879500; PubMed 34872578.

NM_000020.3(ACVRL1):c.525+1G>C

Gene: ACVRL1 (activin A receptor like type 1; plus strand). Cytogenetic location: 12q13.13.
Variant type: single nucleotide variant.
Coding change: c.525+1G>C on transcript NM_000020.3 (MANE Select); the canonical splice donor site of the intron after coding-DNA position 525, G replaced by C.
Molecular consequence: splice donor variant. On other transcripts: intron variant (6).
Genome position (GRCh38, 1-based): chr12:51,913,771, G>C. VCF-style: chr12-51913771-G-C. GRCh37 (hg19) VCF-style: chr12-52307555-G-C.
Other names: c.525+1G>C (NM_001406487.1, NM_001406488.1, NM_001077401.2 and 1 more transcripts); c.313+421G>C (NM_001406491.1, NM_001406490.1, NM_001406492.1 and 2 more transcripts); c.62-668G>C (NM_001406495.1).
Identifiers: ClinVar variation 2735865 (VCV002735865.3), dbSNP rs1555152710, ClinGen allele CA384899372.